The following is an entry in ClinVar:

ClinVar aggregate classification (germline): Uncertain significance (1 of 4 stars; one submission).

Conditions:
Thrombus. Identifiers: MedGen C0087086, MeSH D013927.

Allele frequency attached by ClinVar (database versions not stated): gnomAD exomes below 0.00001; TOPMed below 0.00001; gnomAD 0.00001.
gnomAD v4.1: 7 of 1,613,326 alleles (0.00043%); highest among the groups gnomAD compares: East Asian, 0.0022%; no homozygotes.

Submission:

ISTH-SSC Genomics in Thrombosis and Hemostasis, KU Leuven, Center for Molecular and Vascular Biology
Classification: Uncertain significance for Thrombus. Review status: criteria provided, single submitter. Criteria: ACMG Guidelines, 2015. Collection method: clinical testing. Allele origin: germline. Affected: yes. Observed: 1 compound heterozygote.
Comment: Submitted to GoldVariant by Kathleen Freson, Center for Molecular and Vascular Biology, Leuven, Belgium

NM_139027.6(ADAMTS13):c.2862-20C>T

Gene: ADAMTS13 (ADAM metallopeptidase with thrombospondin type 1 motif 13; plus strand). Cytogenetic location: 9q34.2.
Variant type: single nucleotide variant.
Coding change: c.2862-20C>T on transcript NM_139027.6 (MANE Select); 20 bases into the intron before coding-DNA position 2862, C replaced by T.
Molecular consequence: intron variant.
Genome position (GRCh38, 1-based): chr9:133,449,763, C>T. VCF-style: chr9-133449763-C-T. GRCh37 (hg19) VCF-style: chr9-136314884-C-T.
Other names: c.2862-20C>T (NM_139025.5); c.2769-20C>T (NM_139026.6).
Identifiers: ClinVar variation 1703792 (VCV001703792.1), dbSNP rs1395774284, ClinGen allele CA860737740.